The following is an entry in ClinVar:

ClinVar aggregate classification (germline): Uncertain significance (1 of 4 stars; one submission).

Conditions:
Joubert syndrome. Also called: CEREBELLOPARENCHYMAL DISORDER IV; JOUBERT-BOLTSHAUSER SYNDROME; Familial aplasia of the vermis. Identifiers: Orphanet 475, MedGen C5979921, MONDO:0018772.
Meckel-Gruber syndrome. Also called: DYSENCEPHALIA SPLANCHNOCYSTICA; GRUBER SYNDROME; Dysencephalia splachnocystica. Identifiers: Orphanet 564, MedGen C0265215, MONDO:0018921.

gnomAD v4.1: 1 of 1,609,644 alleles (0.000062%); no homozygotes.

Submission:

Labcorp Genetics (formerly Invitae), Labcorp
Classification: Uncertain significance for Joubert syndrome; Meckel-Gruber syndrome. Last evaluated: 2022-01-03. Review status: criteria provided, single submitter. Criteria: Invitae Variant Classification Sherloc (09022015). Collection method: clinical testing. Allele origin: germline.
Comment: Algorithms developed to predict the effect of missense changes on protein structure and function (SIFT, PolyPhen-2, Align-GVGD) all suggest that this variant is likely to be tolerated. This variant has not been reported in the literature in individuals affected with RPGRIP1L-related conditions. This variant is not present in population databases (gnomAD no frequency). This sequence change replaces glutamine, which is neutral and polar, with arginine, which is basic and polar, at codon 434 of the RPGRIP1L protein (p.Gln434Arg). In summary, the available evidence is currently insufficient to determine the role of this variant in disease. Therefore, it has been classified as a Variant of Uncertain Significance.

NM_015272.5(RPGRIP1L):c.1301A>G (p.Gln434Arg)

Gene: RPGRIP1L (RPGRIP1 like; minus strand). Cytogenetic location: 16q12.2.
Variant type: single nucleotide variant.
Coding change: c.1301A>G on transcript NM_015272.5 (MANE Select); coding-DNA position 1301, A replaced by G.
Protein change: p.Gln434Arg; replaces glutamine 434 with arginine.
Molecular consequence: missense variant.
Genome position (GRCh38, 1-based): chr16:53,658,821, T>C on the plus strand (A>G on the coding strand, the complement: RPGRIP1L is on the minus strand). VCF-style: chr16-53658821-T-C. GRCh37 (hg19) VCF-style: chr16-53692733-T-C.
Other names: c.1301A>G, p.Gln434Arg (NM_001127897.4, NM_001308334.3, NM_001330538.2); short protein forms Q434R.
Identifiers: ClinVar variation 1968111 (VCV001968111.5), dbSNP rs1176573181, ClinGen allele CA395920307.
Genomic context (GRCh38, chr16:53,658,821, plus strand): 5'-AAATAATTCACCTGGTTGTACAATTTTATGCGTTTTTTAAGTTCATCAAGTTGTTGCTTT[T>C]GTTCCAGATACTGTAACTGTAGTTCTCTATTCTCTTGAACGAGTTTTTCATTTTGATCTT-3'
Protein context (NP_056087.2, residues 424-444): NRELQLQYLE[Gln434Arg]KQQLDELKKR